The following is an entry in ClinVar:

ClinVar aggregate classification (germline): Pathogenic. Review status: criteria provided, multiple submitters, no conflicts (2 of 4 stars). 4 submissions from 4 submitters: Pathogenic (3). 1 of the submissions does not count toward it. Last evaluated 2025-12-11.

Conditions:
Inborn genetic diseases. Identifiers: MedGen C0950123, MeSH D030342.
Cerebellar dysfunction with variable cognitive and behavioral abnormalities (CECBA). Also called: Nonprogressive cerebellar atxia with intellectual disability. Identifiers: Orphanet 314647, MedGen C3553661, MONDO:0013886, OMIM 614756.

Submissions (4):

Ambry Genetics
Classification: Pathogenic for Inborn genetic diseases. Last evaluated: 2025-12-11. Review status: criteria provided, single submitter. Criteria: Ambry Variant Classification Scheme 2023. Collection method: clinical testing. Allele origin: germline.
Comment: The c.882delA (p.Y297Tfs*93) alteration, located in exon 9 (coding exon 9) of the CAMTA1 gene, consists of a deletion of one nucleotide at position 882, causing a translational frameshift with a predicted alternate stop codon after 93 amino acids. This alteration is expected to result in loss of function by premature protein truncation or nonsense-mediated mRNA decay. This variant was not reported in population-based cohorts in the Genome Aggregation Database (gnomAD). This variant was determined to be de novo in at least one individual with features consistent with CAMTA1-related neurodevelopmental disorder (Dzinovic, 2021; Jacobs, 2021). Based on the available evidence, this alteration is classified as pathogenic.

Labcorp Genetics (formerly Invitae), Labcorp
Classification: Pathogenic. Last evaluated: 2025-09-21. Review status: criteria provided, single submitter. Criteria: Invitae Variant Classification Sherloc (09022015). Collection method: clinical testing. Allele origin: germline.
Comment: This sequence change creates a premature translational stop signal (p.Tyr297Thrfs*93) in the CAMTA1 gene. It is expected to result in an absent or disrupted protein product. Loss-of-function variants in CAMTA1 are known to be pathogenic (PMID: 22693284). This variant is not present in population databases (gnomAD no frequency). This premature translational stop signal has been observed in individual(s) with CAMTA1-related conditions (PMID: 33131045). ClinVar contains an entry for this variant (Variation ID: 280872). For these reasons, this variant has been classified as Pathogenic.

GeneDx
Classification: Pathogenic. Last evaluated: 2023-05-22. Review status: criteria provided, single submitter. Criteria: GeneDx Variant Classification Process June 2021. Collection method: clinical testing. Allele origin: germline. Affected: yes.
Comment: Frameshift variant predicted to result in protein truncation or nonsense mediated decay in a gene for which loss of function is a known mechanism of disease; Not observed at significant frequency in large population cohorts (gnomAD); This variant is associated with the following publications: (PMID: 33131045, 33677721)

OMIM
Classification: Pathogenic for CEREBELLAR DYSFUNCTION WITH VARIABLE COGNITIVE AND BEHAVIORAL ABNORMALITIES. Last evaluated: 2022-02-24. Review status: no assertion criteria provided. Collection method: literature only. Allele origin: germline. Not counted in ClinVar's aggregate classification.

Literature cited by the submitters: PubMed 33131045 (cited by 3 submitters); PubMed 33677721 (cited by Ambry Genetics and OMIM); PubMed 22693284 (cited by Labcorp Genetics (formerly Invitae), Labcorp).

NM_015215.4(CAMTA1):c.882del (p.Tyr297fs)

Gene: CAMTA1 (calmodulin binding transcription activator 1; plus strand). Cytogenetic location: 1p36.23.
Variant type: Deletion.
Coding change: c.882del on transcript NM_015215.4 (MANE Select); coding-DNA position 882, one base deleted (A; older notation c.882delA).
Protein change: p.Tyr297fs; shifts the reading frame from tyrosine 297.
Molecular consequence: frameshift variant.
Genome position (GRCh38, 1-based): chr1:7,663,429, A deleted. VCF-style (leftmost placement, unchanged base first): chr1-7663428-CA-C. GRCh37 (hg19) VCF-style: chr1-7723488-CA-C.
Other names: c.882delA (NM_015215.2, NM_015215.3); c.792del, p.Tyr267fs (NM_001349608.2, NM_001349612.2); c.882del, p.Tyr297fs (NM_001349609.2, NM_001349610.2); short protein forms Y267fs, Y297fs.
Identifiers: ClinVar variation 280872 (VCV000280872.7), dbSNP rs886041999, ClinGen allele CA10602797.